The following is an entry in ClinVar:

ClinVar aggregate classification (germline): Uncertain significance (1 of 4 stars; one submission).

gnomAD v4.1: 1 of 1,613,936 alleles (0.000062%); no homozygotes.

Submission:

Ambry Genetics
Classification: Uncertain significance. Last evaluated: 2026-02-16. Review status: criteria provided, single submitter. Criteria: Ambry Variant Classification Scheme 2023. Collection method: clinical testing. Allele origin: germline.
Comment: The p.D510H variant (also known as c.1528G>C), located in coding exon 16 of the SRP72 gene, results from a G to C substitution at nucleotide position 1528. The aspartic acid at codon 510 is replaced by histidine, an amino acid with similar properties. This amino acid position is conserved. In addition, this alteration is predicted to be deleterious by in silico analysis. Based on the available evidence, the clinical significance of this variant remains unclear.

NM_006947.4(SRP72):c.1528G>C (p.Asp510His)

Gene: SRP72 (signal recognition particle 72; plus strand). Cytogenetic location: 4q12.
Variant type: single nucleotide variant.
Coding change: c.1528G>C on transcript NM_006947.4 (MANE Select); coding-DNA position 1528, G replaced by C.
Protein change: p.Asp510His; replaces aspartic acid 510 with histidine.
Molecular consequence: missense variant. On other transcripts: non-coding transcript variant (1).
Genome position (GRCh38, 1-based): chr4:56,491,456, G>C. VCF-style: chr4-56491456-G-C. GRCh37 (hg19) VCF-style: chr4-57357622-G-C.
Other names: c.1345G>C, p.Asp449His (NM_001267722.2); short protein forms D510H, D449H.
Identifiers: ClinVar variation 4844212 (VCV004844212.1).